The following is an entry in ClinVar:

ClinVar aggregate classification (germline): Likely benign. Review status: criteria provided, multiple submitters, no conflicts (2 of 4 stars). 6 submissions from 5 submitters: Likely benign (6). Last evaluated 2025-10-01.

Conditions:
Retinitis pigmentosa 39 (RP39). Identifiers: Orphanet 791, MedGen C3151138, MONDO:0013436, OMIM 613809.
Usher syndrome type 2A. Also called: USHER SYNDROME, TYPE IIA; RETINAL DISEASE IN USHER SYNDROME TYPE IIA, MODIFIER OF. Identifiers: Orphanet 231178, Orphanet 886, MedGen C1848634, MONDO:0010169, OMIM 276901.

Allele frequency attached by ClinVar (database versions not stated): ExAC 0.00004; gnomAD 0.00006 and 0.00007; gnomAD exomes 0.00007; TOPMed 0.00007; ESP Exome Variant Server 0.00015.
gnomAD v4.1: 125 of 1,613,698 alleles (0.0077%); highest among the groups gnomAD compares: Non-Finnish European, 0.01%; no homozygotes.

Submissions (6):

Labcorp Genetics (formerly Invitae), Labcorp
Classification: Likely benign. Last evaluated: 2025-10-01. Review status: criteria provided, single submitter. Criteria: Invitae Variant Classification Sherloc (09022015). Collection method: clinical testing. Allele origin: germline.

Blueprint Genetics
Classification: Likely benign. Last evaluated: 2024-05-27. Review status: criteria provided, single submitter. Criteria: ACMG Guidelines, 2015. Collection method: clinical testing. Allele origin: germline.

Genome-Nilou Lab
Classification: Likely benign for Retinitis pigmentosa 39. Last evaluated: 2023-11-04. Review status: criteria provided, single submitter. Criteria: ACMG Guidelines, 2015. Collection method: clinical testing. Allele origin: germline. Affected: no.

Genome-Nilou Lab
Classification: Likely benign for Usher syndrome type 2A. Last evaluated: 2023-11-04. Review status: criteria provided, single submitter. Criteria: ACMG Guidelines, 2015. Collection method: clinical testing. Allele origin: germline. Affected: no.

GeneDx
Classification: Likely benign. Last evaluated: 2019-07-11. Review status: criteria provided, single submitter. Criteria: GeneDx Variant Classification Process June 2021. Collection method: clinical testing. Allele origin: germline. Affected: yes.

Laboratory for Molecular Medicine, Mass General Brigham Personalized Medicine
Classification: Likely benign. Last evaluated: 2012-04-30. Review status: criteria provided, single submitter. Criteria: LMM Criteria. Collection method: clinical testing. Allele origin: germline. Observed: 1 variant allele.
Comment: Val1832Val in Exon 27 of USH2A: This variant is not expected to have clinical si gnificance because it does not alter an amino acid residue, is not located withi n the splice consensus sequence, and has been identified in 2/7020 European Amer ican chromosomes from a broad population by the NHLBI Exome Sequencing Project (dbSNP rs146585940).

NM_206933.4(USH2A):c.5496G>A (p.Val1832=)

Genes: USH2A (usherin; minus strand), USH2A-AS2 (USH2A antisense RNA 2; plus strand). Cytogenetic location: 1q41.
Variant type: single nucleotide variant.
Coding change: c.5496G>A on transcript NM_206933.4 (MANE Select); coding-DNA position 5496, G replaced by A.
Protein change: p.Val1832=; no amino-acid change (valine 1832 retained).
Molecular consequence: synonymous variant.
Genome position (GRCh38, 1-based): chr1:216,078,165, C>T on the plus strand (G>A on the coding strand, the complement: USH2A is on the minus strand). VCF-style: chr1-216078165-C-T. GRCh37 (hg19) VCF-style: chr1-216251507-C-T.
Identifiers: ClinVar variation 178580 (VCV000178580.20), dbSNP rs146585940, ClinGen allele CA182600.
Genomic context (GRCh38, chr1:216,078,165, plus strand): 5'-ATGTTGATAAGAGTTCAGCAGTTCCTGTGGGATTCCTCCCACATAAACTGGTGAATTCAC[C>T]ACCAGTGGCTGGTCTCCGGACTCCGATGCATGCTTCATCAGTCCATTCACACTTGCTGAT-3'
Protein context (NP_996816.3, residues 1822-1842): HASESGDQPL[Val1832=]VNSPVYVGGI